The following is an entry in ClinVar:

ClinVar aggregate classification (germline): Pathogenic (1 of 4 stars; one submission).

Submission:

ISCA site 15
Classification: Pathogenic. Last evaluated: 2011-08-12. Review status: criteria provided, single submitter. Criteria: Kaminsky et al. (Genet Med. 2011). Collection method: clinical testing. Allele origin: maternal. Affected: yes. Observed: 1 variant allele.
Comment: Copy number variation identified through the course of routine clinical cytogenomic testing in postnatal populations. Clinical assertions have been curated as described in Kaminsky et al. 2011.

GRCh38/hg38 5q23.2-23.3(chr5:126458947-128537986)x1

Genes: ALDH7A1 (aldehyde dehydrogenase 7 family member A1; minus strand), C5orf63 (chromosome 5 open reading frame 63; minus strand), CCDC192 (coiled-coil domain containing 192; plus strand), CTXN3 (cortexin 3; plus strand), CTXN3-AS1 (CTXN3 and CCDC192 antisense RNA 1; minus strand) and 48 more. Cytogenetic location: 5q23.2-23.3.
Variant type: copy number loss.
Change: copy number 1 (one copy instead of two) of chr5:126,458,947-128,537,986 (2.08 Mb, GRCh38 coordinates, 1-based), cytogenetic band 5q23.2-23.3.
Identifiers: ClinVar variation 58357 (VCV000058357.1).